The following is an entry in ClinVar:

NM_000918.4(P4HB):c.362_363del (p.Glu121fs)

Gene: P4HB (prolyl 4-hydroxylase subunit beta; minus strand). Cytogenetic location: 17q25.3.
Variant type: Microsatellite.
Coding change: c.362_363del on transcript NM_000918.4 (MANE Select); coding-DNA positions 362 to 363, 2 bases deleted (AG; older notation c.362_363delAG).
Protein change: p.Glu121fs; shifts the reading frame from glutamic acid 121.
Molecular consequence: frameshift variant.
Genome position (GRCh38, 1-based): chr17:81,855,576-81,855,577, CT deleted on the plus strand (AG on the coding strand, the reverse complement: P4HB is on the minus strand); deleting any 2 consecutive bases within chr17:81,855,576-81,855,581 gives the same sequence; the c. name uses the placement nearest the transcript's 3' end. VCF-style (leftmost placement, unchanged base first): chr17-81855575-CCT-C. GRCh37 (hg19) VCF-style: chr17-79813451-CCT-C.
Other names: short protein forms E121fs.
Identifiers: ClinVar variation 1480442 (VCV001480442.6), dbSNP rs2143354740, ClinGen allele CA2580613261.

ClinVar aggregate classification (germline): Uncertain significance (1 of 4 stars; one submission).

Submission:

Labcorp Genetics (formerly Invitae), Labcorp
Classification: Uncertain significance. Last evaluated: 2024-02-17. Review status: criteria provided, single submitter. Criteria: Invitae Variant Classification Sherloc (09022015). Collection method: clinical testing. Allele origin: germline.
Comment: This sequence change creates a premature translational stop signal (p.Glu121Glyfs*2) in the P4HB gene. It is expected to result in an absent or disrupted protein product. However, the current clinical and genetic evidence is not sufficient to establish whether loss-of-function variants in P4HB cause disease. This variant is not present in population databases (gnomAD no frequency). This variant has not been reported in the literature in individuals affected with P4HB-related conditions. In summary, the available evidence is currently insufficient to determine the role of this variant in disease. Therefore, it has been classified as a Variant of Uncertain Significance.